The following is an entry in ClinVar:

ClinVar aggregate classification (germline): Pathogenic. Review status: reviewed by expert panel (3 of 4 stars). 7 submissions from 7 submitters: Pathogenic (1). 6 of the submissions do not count toward it. Last evaluated 2018-12-09.

Conditions:
Phenylketonuria (PKU). Also called: Phenylketonuria (PKU); FOLLING DISEASE; OLIGOPHRENIA PHENYLPYRUVICA; Phenylketonurias. Identifiers: Orphanet 716, MedGen C0031485, MONDO:0009861, OMIM 261600. Disease mechanism: loss of function.

Allele frequency attached by ClinVar (database versions not stated): gnomAD 0.00001; TOPMed below 0.00001.
gnomAD v4.1: 1 of 1,613,896 alleles (0.000062%); highest among the groups gnomAD compares: Non-Finnish European, 0.000085%; no homozygotes.

Submissions (7):

ClinGen PAH Variant Curation Expert Panel
Classification: Pathogenic for Phenylketonuria. Last evaluated: 2018-12-09. Review status: reviewed by expert panel. Criteria: ClinGen PAH ACMG Specifications v1. Collection method: curation. Allele origin: germline. Inheritance: Autosomal recessive inheritance.
Comment: The c.848T>A (p.Ile283Asn) variant in PAH is absent from population databases and predicted damaging with in silico predictors. It is a novel missense change in a residue where a different pathogenic variant has been identified (c.847A>T (p.Ile283Phe). It has been identified in multiple affected individuals in trans with known pathogenic variants (PMID: 9521426, 26413448), and was identified in a patient in which a defect in BH4 metabolism had been excluded. In summary, this variant meets criteria to be classified as pathogenic for PAH. PAH-specific ACMG/AMP criteria applied: PM3_strong, PM2, PM5, PP4_Moderate, PP3.

Women's Health and Genetics/Laboratory Corporation of America, LabCorp
Classification: Pathogenic for Phenylketonuria. Last evaluated: 2025-10-29. Review status: criteria provided, single submitter. Criteria: LabCorp Variant Classification Summary - May 2015. Collection method: clinical testing. Allele origin: germline. Not counted in ClinVar's aggregate classification.
Comment: Variant summary: PAH c.848T>A (p.Ile283Asn) results in a non-conservative amino acid change in the encoded protein sequence. Algorithms developed to predict the effect of missense changes on protein structure and function all suggest that this variant is likely to be disruptive. The variant was absent in 250930 control chromosomes. c.848T>A has been observed in multiple biallelic individual(s) affected with Phenylalanine Hydroxylase Deficiency (Phenylketonuria) (example, Hillert_2020). These data indicate that the variant is likely to be associated with disease. At least 2 different variants affecting the same codon have been classified as likely pathogenic/pathogenic by our lab (c.847A>G, p.Ile283Val and c.847A>T, p.Ile283Phe), supporting the critical relevance of codon 283 to PAH protein function. The following publication has been ascertained in the context of this evaluation (PMID: 32668217). ClinVar contains an entry for this variant (Variation ID: 102877). Based on the evidence outlined above, the variant was classified as pathogenic.

Myriad Genetics, Inc.
Classification: Likely pathogenic for Phenylketonuria. Last evaluated: 2025-08-26. Review status: criteria provided, single submitter. Criteria: Myriad Autosomal Dominant, Autosomal Recessive and X-Linked Classification Criteria (2023). Collection method: clinical testing. Allele origin: unknown. Not counted in ClinVar's aggregate classification.
Comment: NM_000277.1(PAH):c.848T>A(I283N) is a missense variant classified as likely pathogenic in the context of phenylalanine hydroxylase deficiency. I283N has been observed in cases with relevant disease (PMID: 32668217). Relevant functional assessments of this variant are not available in the literature. I283N has not been observed in referenced population frequency databases. In summary, NM_000277.1(PAH):c.848T>A(I283N) is a missense variant that has been observed more frequently in cases with the relevant disease than in healthy populations. Please note: this variant was assessed in the context of healthy population screening.

Natera, Inc.
Classification: Pathogenic for Phenylketonuria. Last evaluated: 2024-06-04. Review status: criteria provided, single submitter. Criteria: Natera Variant Classification Schema (03/2026). Collection method: clinical testing. Allele origin: germline. Not counted in ClinVar's aggregate classification.
Comment: The c.848T>A variant in PAH is a missense variant predicted to cause substitution of isoleucine to asparagine at amino acid 283. This variant is rare in the general population with a frequency below the threshold expected for the associated phenotype(s). This variant has been observed in one or more individuals affected with the associated recessive disease, as either homozygous or compound heterozygous with a second variant (PMID: 9521426, 26413448, 32668217). Given the available evidence, this variant is classified as Pathogenic.

Baylor Genetics
Classification: Pathogenic for Phenylketonuria. Last evaluated: 2023-04-13. Review status: criteria provided, single submitter. Criteria: ACMG Guidelines, 2015. Collection method: clinical testing. Allele origin: unknown. Not counted in ClinVar's aggregate classification.

Labcorp Genetics (formerly Invitae), Labcorp
Classification: Pathogenic for Phenylketonuria. Last evaluated: 2021-10-10. Review status: criteria provided, single submitter. Criteria: Invitae Variant Classification Sherloc (09022015). Collection method: clinical testing. Allele origin: germline. Not counted in ClinVar's aggregate classification.
Comment: ClinVar contains an entry for this variant (Variation ID: 102877). Advanced modeling of protein sequence and biophysical properties (such as structural, functional, and spatial information, amino acid conservation, physicochemical variation, residue mobility, and thermodynamic stability) performed at Invitae indicates that this missense variant is expected to disrupt PAH protein function. This variant disrupts the p.Ile283 amino acid residue in PAH. Other variant(s) that disrupt this residue have been determined to be pathogenic (PMID: 8097423, 11161839, 24350308, 25596310). This suggests that this residue is clinically significant, and that variants that disrupt this residue are likely to be disease-causing. For these reasons, this variant has been classified as Pathogenic. This missense change has been observed in individual(s) with hyperphenylalaninemia (PMID: 9521426, 32668217). In at least one individual the data is consistent with the variant being in trans (on the opposite chromosome) from a pathogenic variant. This variant is not present in population databases (ExAC no frequency). This sequence change replaces isoleucine with asparagine at codon 283 of the PAH protein (p.Ile283Asn). The isoleucine residue is highly conserved and there is a large physicochemical difference between isoleucine and asparagine.

DeBelle Laboratory for Biochemical Genetics, MUHC/MCH RESEARCH INSTITUTE
No classification provided. Review status: no classification provided. Collection method: not provided. Allele origin: not provided. Not counted in ClinVar's aggregate classification.

Literature cited by the submitters: PubMed 26413448 (cited by ClinGen PAH Variant Curation Expert Panel and Natera, Inc.); PubMed 9521426 (cited by 3 submitters); PubMed 32668217 (cited by 4 submitters); PubMed 8097423 (cited by Labcorp Genetics (formerly Invitae), Labcorp); PubMed 11161839 (cited by Labcorp Genetics (formerly Invitae), Labcorp); PubMed 24350308 (cited by Labcorp Genetics (formerly Invitae), Labcorp); PubMed 25596310 (cited by Labcorp Genetics (formerly Invitae), Labcorp).

NM_000277.3(PAH):c.848T>A (p.Ile283Asn)

Genes: PAH (phenylalanine hydroxylase; minus strand), LOC126861615 (CDK7 strongly-dependent group 2 enhancer GRCh37_chr12:103244689-103245888; plus strand). Cytogenetic location: 12q23.2.
Variant type: single nucleotide variant.
Coding change: c.848T>A on transcript NM_000277.3 (MANE Select); coding-DNA position 848, T replaced by A.
Protein change: p.Ile283Asn; replaces isoleucine 283 with asparagine.
Molecular consequence: missense variant.
Genome position (GRCh38, 1-based): chr12:102,851,751, A>T on the plus strand (T>A on the coding strand, the complement: PAH is on the minus strand). VCF-style: chr12-102851751-A-T. GRCh37 (hg19) VCF-style: chr12-103245529-A-T.
Other names: NM_000277.2(PAH):c.848T>A; c.848T>A, p.Ile283Asn (NM_001354304.2); c.848T>A (NM_000277.2); short protein forms I283N.
Identifiers: ClinVar variation 102877 (VCV000102877.12), dbSNP rs62508693, ClinGen allele CA229821.